The following is an entry in ClinVar:

NM_000186.4(CFH):c.350+1del

Gene: CFH (complement factor H; plus strand). Cytogenetic location: 1q31.3.
Variant type: Deletion.
Coding change: c.350+1del on transcript NM_000186.4 (MANE Select); the canonical splice donor site of the intron after coding-DNA position 350, one base deleted (G; older notation c.350+1delG).
Molecular consequence: splice donor variant.
Genome position (GRCh38, 1-based): chr1:196,673,963, G deleted; the last of 4 consecutive G bases (chr1:196,673,960-196,673,963); deleting any one gives the same sequence. VCF-style (leftmost placement, unchanged base first): chr1-196673959-AG-A. GRCh37 (hg19) VCF-style: chr1-196643089-AG-A.
Other names: c.350+1del (NM_001014975.3).
Identifiers: ClinVar variation 4291650 (VCV004291650.2).

ClinVar aggregate classification (germline): Pathogenic (1 of 4 stars; one submission).

Conditions:
Atypical hemolytic-uremic syndrome. Identifiers: Orphanet 2134, MedGen C2931788, MONDO:0016244.
Factor H deficiency (CFHD). Also called: COMPLEMENT FACTOR H DEFICIENCY; CFH DEFICIENCY. Identifiers: Orphanet 200421, MedGen C0398777, MONDO:0012350, OMIM 609814.

Submission:

Genomenon, Inc
Classification: Pathogenic for Atypical hemolytic-uremic syndrome; Factor H deficiency. Last evaluated: 2026-09-17. Review status: criteria provided, single submitter. Criteria: Genomenon Sequence Variant Interpretation Standards - Updated. Collection method: curation. Allele origin: germline. Affected: yes.
Comment: CFH c.350+1del is a deletion that affects the donor splice site of intron 3. It is predicted to affect mRNA splicing, leading to a deleterious effect on the CFH protein. This variant has been observed in at least one proband affected with a CFH-related disorder (PMID: 34677610; 28941939). It has been reported as 350delG, 351delG, and Y118Ifs*4 in the literature. Functional studies have been reported (PMID: 28941939). It is absent or not present at a significant frequency in gnomAD. In conclusion, we classify CFH c.350+1del as a pathogenic variant.

Literature cited by the submitters: PubMed 34677610; PubMed 28941939.